The following is an entry in ClinVar:

ClinVar aggregate classification (germline): Pathogenic/Likely pathogenic. Review status: criteria provided, multiple submitters, no conflicts (2 of 4 stars). 3 submissions from 3 submitters: Pathogenic (1); Likely pathogenic (2). Last evaluated 2024-06-01.

Conditions:
NPHP4-related disorder. Also called: NPHP4-related condition; NPHP4-related disorders. Identifiers: MedGen CN239384.
Nephronophthisis 4 (NPHP4). Also called: NEPHRONOPHTHISIS 4, JUVENILE. Identifiers: Orphanet 655, MedGen C1847013, MONDO:0011752, OMIM 606966.
Senior-Loken syndrome 4 (SLSN4). Identifiers: Orphanet 3156, MedGen C1846979, MONDO:0011756, OMIM 606996.
Nephronophthisis. Also called: Juvenile Nephronophthisis. Identifiers: Orphanet 655, MedGen C0687120, MONDO:0019005, HP:0000090.

Submissions (3):

Fulgent Genetics
Classification: Likely pathogenic for Nephronophthisis 4; Senior-Loken syndrome 4. Last evaluated: 2024-06-01. Review status: criteria provided, single submitter. Criteria: ACMG Guidelines, 2015. Collection method: clinical testing. Allele origin: germline.

Blueprint Genetics
Classification: Likely pathogenic for NPHP4-related disorders. Last evaluated: 2023-03-20. Review status: criteria provided, single submitter. Criteria: ACMG Guidelines, 2015. Collection method: clinical testing. Allele origin: germline. Affected: yes. Observed: 1 variant allele.

Labcorp Genetics (formerly Invitae), Labcorp
Classification: Pathogenic for Nephronophthisis. Last evaluated: 2021-04-08. Review status: criteria provided, single submitter. Criteria: Invitae Variant Classification Sherloc (09022015). Collection method: clinical testing. Allele origin: germline.
Comment: For these reasons, this variant has been classified as Pathogenic. This variant has not been reported in the literature in individuals with NPHP4-related conditions. This variant is not present in population databases (ExAC no frequency). This sequence change creates a premature translational stop signal (p.Val1123Glyfs*43) in the NPHP4 gene. It is expected to result in an absent or disrupted protein product. Loss-of-function variants in NPHP4 are known to be pathogenic (PMID: 12205563, 23559409).

Literature cited by the submitters: PubMed 12205563 (cited by Labcorp Genetics (formerly Invitae), Labcorp); PubMed 23559409 (cited by Labcorp Genetics (formerly Invitae), Labcorp).

NM_015102.5(NPHP4):c.3368_3369del (p.Val1123fs)

Gene: NPHP4 (nephrocystin 4; minus strand). Cytogenetic location: 1p36.31.
Variant type: Microsatellite.
Coding change: c.3368_3369del on transcript NM_015102.5 (MANE Select); coding-DNA positions 3368 to 3369, 2 bases deleted (TG; older notation c.3368_3369delTG).
Protein change: p.Val1123fs; shifts the reading frame from valine 1123.
Molecular consequence: frameshift variant. On other transcripts: non-coding transcript variant (1).
Genome position (GRCh38, 1-based): chr1:5,867,843-5,867,844, CA deleted on the plus strand (TG on the coding strand, the reverse complement: NPHP4 is on the minus strand); deleting any 2 consecutive bases within chr1:5,867,843-5,867,846 gives the same sequence; the c. name uses the placement nearest the transcript's 3' end. VCF-style (leftmost placement, unchanged base first): chr1-5867842-CCA-C. GRCh37 (hg19) VCF-style: chr1-5927902-CCA-C.
Other names: c.1829_1830del, p.Val610fs (NM_001291593.2); c.1832_1833del, p.Val611fs (NM_001291594.2); short protein forms V1123fs, V610fs, V611fs.
Identifiers: ClinVar variation 1388969 (VCV001388969.8), dbSNP rs1474013513, ClinGen allele CA521017009.